The following is an entry in ClinVar:

ClinVar aggregate classification (germline): Uncertain significance. Review status: criteria provided, single submitter (1 of 4 stars). 2 submissions from 2 submitters: Uncertain significance (1). 1 of the submissions does not count toward it. Last evaluated 2025-06-09.

Conditions:
ZNF526-related disorder. Also called: ZNF526-related condition.

gnomAD v4.1: 77 of 1,611,336 alleles (0.0048%); highest among the groups gnomAD compares: South Asian, 0.027%; 1 homozygote.

Submissions (2):

GeneDx
Classification: Uncertain significance. Last evaluated: 2025-06-09. Review status: criteria provided, single submitter. Criteria: GeneDx Variant Classification Process June 2021. Collection method: clinical testing. Allele origin: germline. Affected: yes.
Comment: In silico analysis suggests that this missense variant does not alter protein structure/function; Has not been previously published as pathogenic or benign to our knowledge

PreventionGenetics, part of Exact Sciences
Classification: Uncertain significance for ZNF526-related condition. Last evaluated: 2024-04-08. Review status: no assertion criteria provided. Collection method: clinical testing. Allele origin: germline. Not counted in ClinVar's aggregate classification.
Comment: The ZNF526 c.1805C>T variant is predicted to result in the amino acid substitution p.Thr602Met. To our knowledge, this variant has not been reported in the literature. This variant is reported in 0.039% of alleles in individuals of South Asian descent in gnomAD. At this time, the clinical significance of this variant is uncertain due to the absence of conclusive functional and genetic evidence.

NM_133444.3(ZNF526):c.1805C>T (p.Thr602Met)

Gene: ZNF526 (zinc finger protein 526; plus strand). Cytogenetic location: 19q13.2.
Variant type: single nucleotide variant.
Coding change: c.1805C>T on transcript NM_133444.3 (MANE Select); coding-DNA position 1805, C replaced by T.
Protein change: p.Thr602Met; replaces threonine 602 with methionine.
Molecular consequence: missense variant.
Genome position (GRCh38, 1-based): chr19:42,226,208, C>T. VCF-style: chr19-42226208-C-T. GRCh37 (hg19) VCF-style: chr19-42730360-C-T.
Other names: c.1805C>T, p.Thr602Met (NM_001314033.3); c.1805C>T (NM_133444.1); short protein forms T602M.
Identifiers: ClinVar variation 3350481 (VCV003350481.2).